The following is an entry in ClinVar:

NM_024700.4(SNIP1):c.305A>G (p.His102Arg)

Gene: SNIP1 (Smad nuclear interacting protein 1; minus strand). Cytogenetic location: 1p34.3.
Variant type: single nucleotide variant.
Coding change: c.305A>G on transcript NM_024700.4 (MANE Select); coding-DNA position 305, A replaced by G.
Protein change: p.His102Arg; replaces histidine 102 with arginine.
Molecular consequence: missense variant.
Genome position (GRCh38, 1-based): chr1:37,552,667, T>C on the plus strand (A>G on the coding strand, the complement: SNIP1 is on the minus strand). VCF-style: chr1-37552667-T-C. GRCh37 (hg19) VCF-style: chr1-38018268-T-C.
Other names: short protein forms H102R.
Identifiers: ClinVar variation 2993417 (VCV002993417.3), dbSNP rs2522384547, ClinGen allele CA339429227.
Genomic context (GRCh38, chr1:37,552,667, plus strand): 5'-CTCAATTTGGACCCATCAAAACACCCCAATCCACTTACCTGCTTCACTTTGACTGTTGAG[T>C]GGTGAGGACTTCGGTTTCTCTTACTGCGAGGAGACTTGCTTCTTCTCCCTGAGGCCTTGT-3'
Protein context (NP_078976.2, residues 92-112): PRSKRNRSPH[His102Arg]STVKVKQERE

ClinVar aggregate classification (germline): Uncertain significance (1 of 4 stars; one submission).

Allele frequency attached by ClinVar (database versions not stated): gnomAD exomes below 0.00001.

Submission:

Labcorp Genetics (formerly Invitae), Labcorp
Classification: Uncertain significance. Last evaluated: 2023-07-27. Review status: criteria provided, single submitter. Criteria: Invitae Variant Classification Sherloc (09022015). Collection method: clinical testing. Allele origin: germline.
Comment: In summary, the available evidence is currently insufficient to determine the role of this variant in disease. Therefore, it has been classified as a Variant of Uncertain Significance. Advanced modeling of protein sequence and biophysical properties (such as structural, functional, and spatial information, amino acid conservation, physicochemical variation, residue mobility, and thermodynamic stability) performed at Invitae indicates that this missense variant is not expected to disrupt SNIP1 protein function. This variant has not been reported in the literature in individuals affected with SNIP1-related conditions. This variant is not present in population databases (gnomAD no frequency). This sequence change replaces histidine, which is basic and polar, with arginine, which is basic and polar, at codon 102 of the SNIP1 protein (p.His102Arg).